The following is an entry in ClinVar:

NM_032119.4(ADGRV1):c.2113G>A (p.Asp705Asn)

Gene: ADGRV1 (adhesion G protein-coupled receptor V1; plus strand). Cytogenetic location: 5q14.3.
Variant type: single nucleotide variant.
Coding change: c.2113G>A on transcript NM_032119.4 (MANE Select); coding-DNA position 2113, G replaced by A.
Protein change: p.Asp705Asn; replaces aspartic acid 705 with asparagine.
Molecular consequence: missense variant. On other transcripts: non-coding transcript variant (1).
Genome position (GRCh38, 1-based): chr5:90,637,821, G>A. VCF-style: chr5-90637821-G-A. GRCh37 (hg19) VCF-style: chr5-89933638-G-A.
Other names: short protein forms D705N.
Identifiers: ClinVar variation 3067675 (VCV003067675.21), dbSNP rs766095678, ClinGen allele CA3338834.

ClinVar aggregate classification (germline): Uncertain significance (1 of 4 stars; one submission).

Allele frequency attached by ClinVar (database versions not stated): gnomAD exomes below 0.00001; ExAC 0.00001.
gnomAD v4.1: 1 of 1,613,702 alleles (0.000062%); highest among the groups gnomAD compares: South Asian, 0.0011%; no homozygotes.

Submission:

CeGaT Center for Human Genetics Tuebingen
Classification: Uncertain significance. Last evaluated: 2024-03-01. Review status: criteria provided, single submitter. Criteria: CeGaT Center For Human Genetics Tuebingen Variant Classification Criteria Version 2. Collection method: clinical testing. Allele origin: germline. Affected: yes. Observed: 1 variant allele.
Comment: ADGRV1: PM2